The following is an entry in ClinVar:

ClinVar aggregate classification (germline): Benign (1 of 4 stars; one submission).

Allele frequency attached by ClinVar (database versions not stated): TOPMed 0.16941; gnomAD 0.17260 and 0.17763; 1000 Genomes Project 30x 0.17458; 1000 Genomes Project 0.18151; gnomAD exomes 0.21057.
gnomAD v4.1: 81,779 of 412,762 alleles (20%); highest among the groups gnomAD compares: South Asian, 27%; 8,716 homozygotes.

Submission:

GeneDx
Classification: Benign. Last evaluated: 2018-06-14. Review status: criteria provided, single submitter. Criteria: GeneDx Variant Classification (06012015). Collection method: clinical testing. Allele origin: germline. Affected: yes.
Comment: This variant is considered likely benign or benign based on one or more of the following criteria: it is a conservative change, it occurs at a poorly conserved position in the protein, it is predicted to be benign by multiple in silico algorithms, and/or has population frequency not consistent with disease.

NM_005159.5(ACTC1):c.809-304G>A

Genes: ACTC1 (actin alpha cardiac muscle 1; minus strand), GJD2-DT (GJD2 divergent transcript; plus strand). Cytogenetic location: 15q14.
Variant type: single nucleotide variant.
Coding change: c.809-304G>A on transcript NM_005159.5 (MANE Select); 304 bases into the intron before coding-DNA position 809, G replaced by A.
Molecular consequence: intron variant.
Genome position (GRCh38, 1-based): chr15:34,791,599, C>T on the plus strand (G>A on the coding strand, the complement: ACTC1 is on the minus strand). VCF-style: chr15-34791599-C-T. GRCh37 (hg19) VCF-style: chr15-35083800-C-T.
Identifiers: ClinVar variation 681195 (VCV000681195.1), dbSNP rs62006139, ClinGen allele CA15851747.